The following is an entry in ClinVar:

ClinVar aggregate classification (germline): Pathogenic. Review status: criteria provided, multiple submitters, no conflicts (2 of 4 stars). 2 submissions from 2 submitters: Pathogenic (2). Last evaluated 2021-10-02.

Conditions:
KBG syndrome (KBGS). Also called: ANKRD11-Related KBG Syndrome. Identifiers: Orphanet 2332, MedGen C0220687, MONDO:0007846, OMIM 148050.

Submissions (2):

3billion
Classification: Pathogenic for KBG syndrome. Last evaluated: 2021-10-02. Review status: criteria provided, single submitter. Criteria: ACMG Guidelines, 2015. Collection method: clinical testing. Allele origin: germline. Affected: yes. Observed: 1 heterozygote.
Comment: Stop-gained (nonsense): predicted to result in a loss or disruption of normal protein function through protein truncation. Multiple pathogenic variants are reported in the predicted truncated region (PVS1_S).It is not observed in the gnomAD v2.1.1 dataset (PM2). The variant was observed as assumed (i.e. paternity and maternity not confirmed) de novoo (3billion dataset, PM6). The variant has been reported as pathogenic (ClinVar ID: 645982).Therefore, this variant is classified as pathogenic according to the recommendation of ACMG/AMP guideline.

Labcorp Genetics (formerly Invitae), Labcorp
Classification: Pathogenic for KBG syndrome. Last evaluated: 2018-11-08. Review status: criteria provided, single submitter. Criteria: Invitae Variant Classification Sherloc (09022015). Collection method: clinical testing. Allele origin: germline.
Comment: For these reasons, this variant has been classified as Pathogenic. Loss-of-function variants in ANKRD11 are known to be pathogenic (PMID: 21782149, 25125236, 25413698, 25652421). This variant has not been reported in the literature in individuals with ANKRD11-related disease. This variant is not present in population databases (ExAC no frequency). This sequence change creates a premature translational stop signal (p.Asn819*) in the ANKRD11 gene. It is expected to result in an absent or disrupted protein product.

Literature cited by the submitters: PubMed 21782149 (cited by Labcorp Genetics (formerly Invitae), Labcorp); PubMed 25125236 (cited by Labcorp Genetics (formerly Invitae), Labcorp); PubMed 25413698 (cited by Labcorp Genetics (formerly Invitae), Labcorp); PubMed 25652421 (cited by Labcorp Genetics (formerly Invitae), Labcorp).

NM_013275.6(ANKRD11):c.2454dup (p.Asn819Ter)

Gene: ANKRD11 (ankyrin repeat domain 11; minus strand). Cytogenetic location: 16q24.3.
Variant type: Duplication.
Coding change: c.2454dup on transcript NM_013275.6 (MANE Select); coding-DNA position 2454, one base duplicated (T; older notation c.2454dupT).
Protein change: p.Asn819Ter; replaces asparagine 819 with a stop codon.
Molecular consequence: nonsense.
Genome position (GRCh38, 1-based): chr16:89,284,088, A duplicated on the plus strand (T on the coding strand, the reverse complement: ANKRD11 is on the minus strand). VCF-style (leftmost placement, unchanged base first): chr16-89284087-T-TA. GRCh37 (hg19) VCF-style: chr16-89350495-T-TA.
Other names: c.2454dupT (NM_013275.5); c.2454dup, p.Asn819Ter (NM_001256182.2, NM_001256183.2); short protein forms N819*.
Identifiers: ClinVar variation 645982 (VCV000645982.7), dbSNP rs1597460545, ClinGen allele CA915949401.